The following is an entry in ClinVar:

ClinVar aggregate classification (germline): Pathogenic. Review status: criteria provided, multiple submitters, no conflicts (2 of 4 stars). 6 submissions from 6 submitters: Pathogenic (5). 1 of the submissions does not count toward it. Last evaluated 2026-01-26.

Conditions:
Familial hypokalemia-hypomagnesemia (GTLMNS). Also called: POTASSIUM AND MAGNESIUM DEPLETION; HYPOMAGNESEMIA-HYPOKALEMIA, PRIMARY RENOTUBULAR, WITH HYPOCALCIURIA; gitelman syndrome. Identifiers: Orphanet 358, MedGen C0268450, MONDO:0009904, OMIM 263800.

Submissions (6):

Natera, Inc.
Classification: Pathogenic for Gitelman syndrome. Last evaluated: 2026-01-26. Review status: criteria provided, single submitter. Criteria: Natera Variant Classification Schema (03/2026). Collection method: clinical testing. Allele origin: germline.
Comment: The c.2877_2878delAG variant in SLC12A3 is a frameshift variant predicted to shift the reading frame beginning at codon 959 and leads to a stop codon 11 codons downstream. This variant is expected to result in nonsense mediated decay, truncation, or a dysfunctional protein product. This variant is rare in the general population with a frequency below the threshold expected for the associated phenotype(s). This variant has been observed in one or more individuals affected with the associated recessive disease, as either homozygous or compound heterozygous with a second variant (PMID: 30596175, 34389731). This variant has been found together with another disease-causing variant in the same copy of the gene (PMID: 34389731). Given the available evidence, this variant is classified as Pathogenic.

Labcorp Genetics (formerly Invitae), Labcorp
Classification: Pathogenic. Last evaluated: 2025-12-08. Review status: criteria provided, single submitter. Criteria: Invitae Variant Classification Sherloc (09022015). Collection method: clinical testing. Allele origin: germline.
Comment: This sequence change creates a premature translational stop signal (p.Arg959Serfs*11) in the SLC12A3 gene. While this is not anticipated to result in nonsense mediated decay, it is expected to disrupt the last 72 amino acid(s) of the SLC12A3 protein. This variant is present in population databases (rs746623621, gnomAD 0.05%). This premature translational stop signal has been observed in individual(s) with Gitelman disease (PMID: 14750096, 27529443, 30138938, 30596175). In at least one individual the data is consistent with being in trans (on the opposite chromosome) from a pathogenic variant. It has also been observed to segregate with disease in related individuals. ClinVar contains an entry for this variant (Variation ID: 849196). This variant disrupts a region of the SLC12A3 protein in which other variant(s) (p.Arg1018*) have been determined to be pathogenic (PMID: 12911530, 26770037, 29942493). This suggests that this is a clinically significant region of the protein, and that variants that disrupt it are likely to be disease-causing. For these reasons, this variant has been classified as Pathogenic.

3billion
Classification: Pathogenic for Familial hypokalemia-hypomagnesemia. Last evaluated: 2022-09-01. Review status: criteria provided, single submitter. Criteria: ACMG Guidelines, 2015. Collection method: clinical testing. Allele origin: germline. Affected: yes. Observed: 1 heterozygote.
Comment: The variant is observed at an extremely low frequency in the gnomAD v2.1.1 dataset (total allele frequency: 0.004%). It is predicted to result in a loss or disruption of normal protein function through nonsense-mediated decay (NMD) or protein truncation. Multiple pathogenic variants are reported downstream of the variant. The variant has been reported to be associated with SLC12A3 -related disorder (ClinVar ID: VCV000849196/ PMID: 14750096). Therefore, this variant is classified as Pathogenic according to the recommendation of ACMG/AMP guideline.

Fulgent Genetics
Classification: Pathogenic for Familial hypokalemia-hypomagnesemia. Last evaluated: 2022-03-03. Review status: criteria provided, single submitter. Criteria: ACMG Guidelines, 2015. Collection method: clinical testing. Allele origin: unknown.

Juno Genomics, Hangzhou Juno Genomics, Inc
Classification: Pathogenic for Familial hypokalemia-hypomagnesemia. Review status: criteria provided, single submitter. Criteria: ACMG Guidelines, 2015. Collection method: clinical testing. Allele origin: germline.
Comment: Absent from controls (or at extremely low frequency if recessive) in Genome Aggregation Database.;Null variant in a gene where loss of function (LOF) is a known mechanism of disease.;For recessive disorders, detected in trans with a pathogenic variant.;Patient's phenotype or family history is highly specific for a disease with a single genetic etiology.

OMIM
Classification: Pathogenic for GITELMAN SYNDROME. Last evaluated: 2006-09-26. Review status: no assertion criteria provided. Collection method: literature only. Allele origin: germline. Not counted in ClinVar's aggregate classification.

Literature cited by the submitters: PubMed 30596175 (cited by Natera, Inc. and Labcorp Genetics (formerly Invitae), Labcorp); PubMed 34389731 (cited by Natera, Inc.); PubMed 14750096 (cited by Labcorp Genetics (formerly Invitae), Labcorp and 3billion); PubMed 27529443 (cited by Labcorp Genetics (formerly Invitae), Labcorp); PubMed 30138938 (cited by Labcorp Genetics (formerly Invitae), Labcorp); PubMed 12911530 (cited by Labcorp Genetics (formerly Invitae), Labcorp); PubMed 26770037 (cited by Labcorp Genetics (formerly Invitae), Labcorp); PubMed 29942493 (cited by Labcorp Genetics (formerly Invitae), Labcorp); PubMed 17000984 (cited by OMIM).

NM_001126108.2(SLC12A3):c.2850_2851del (p.Arg950fs)

Gene: SLC12A3 (solute carrier family 12 member 3; plus strand). Cytogenetic location: 16q13.
Variant type: Microsatellite.
Coding change: c.2850_2851del on transcript NM_001126108.2 (MANE Select); coding-DNA positions 2850 to 2851, 2 bases deleted (AG; older notation c.2850_2851delAG).
Protein change: p.Arg950fs; shifts the reading frame from arginine 950.
Molecular consequence: frameshift variant.
Genome position (GRCh38, 1-based): chr16:56,902,502-56,902,503, AG deleted; deleting any 2 consecutive bases within chr16:56,902,500-56,902,503 gives the same sequence; the c. name uses the placement nearest the transcript's 3' end. VCF-style (leftmost placement, unchanged base first): chr16-56902499-CAG-C. GRCh37 (hg19) VCF-style: chr16-56936411-CAG-C.
Other names: c.2877_2878del, p.Arg959fs (NM_000339.3); c.2874_2875del, p.Arg958fs (NM_001126107.2); c.2877_2878delAG (NM_000339.2); short protein forms R950fs, R958fs, R959fs.
Identifiers: ClinVar variation 849196 (VCV000849196.14), dbSNP rs746623621, ClinGen allele CA8070074.